The following is an entry in ClinVar:

NM_005732.4(RAD50):c.124A>C (p.Lys42Gln)

Gene: RAD50 (RAD50 double strand break repair protein; plus strand). Cytogenetic location: 5q31.1.
Variant type: single nucleotide variant.
Coding change: c.124A>C on transcript NM_005732.4 (MANE Select); coding-DNA position 124, A replaced by C.
Protein change: p.Lys42Gln; replaces lysine 42 with glutamine.
Molecular consequence: missense variant.
Genome position (GRCh38, 1-based): chr5:132,557,448, A>C. VCF-style: chr5-132557448-A-C. GRCh37 (hg19) VCF-style: chr5-131893140-A-C.
Other names: short protein forms K42Q.
Identifiers: ClinVar variation 2006224 (VCV002006224.4), dbSNP rs2479574281, ClinGen allele CA360951937.
Genomic context (GRCh38, chr5:132,557,448, plus strand): 5'-AAGCAAATTATCACTTTCTTCAGCCCCCTTACAATTTTGGTTGGACCCAATGGGGCGGGA[A>C]AGACGGTAAGTCTTCAGTAGCCGCCTTCAGTTTACAGGTCGCTACATCTTTCGGAGAATA-3'
Protein context (NP_005723.2, residues 32-52): TILVGPNGAG[Lys42Gln]TTIIECLKYI

ClinVar aggregate classification (germline): Uncertain significance (1 of 4 stars; one submission).

Conditions:
Hereditary cancer-predisposing syndrome. Also called: Hereditary neoplastic syndrome; Hereditary Cancer Syndrome; Tumor predisposition; Neoplastic Syndromes, Hereditary. Identifiers: Orphanet 140162, MedGen C0027672, MeSH D009386, MONDO:0015356.

Submission:

Labcorp Genetics (formerly Invitae), Labcorp
Classification: Uncertain significance for Hereditary cancer-predisposing syndrome. Last evaluated: 2022-06-14. Review status: criteria provided, single submitter. Criteria: Invitae Variant Classification Sherloc (09022015). Collection method: clinical testing. Allele origin: germline.
Comment: In summary, the available evidence is currently insufficient to determine the role of this variant in disease. Therefore, it has been classified as a Variant of Uncertain Significance. Algorithms developed to predict the effect of missense changes on protein structure and function are either unavailable or do not agree on the potential impact of this missense change (SIFT: "Deleterious"; PolyPhen-2: "Probably Damaging"; Align-GVGD: "Class C0"). This variant has not been reported in the literature in individuals affected with RAD50-related conditions. This variant is not present in population databases (gnomAD no frequency). This sequence change replaces lysine, which is basic and polar, with glutamine, which is neutral and polar, at codon 42 of the RAD50 protein (p.Lys42Gln).